The following is an entry in ClinVar:

ClinVar aggregate classification (germline): Uncertain significance (1 of 4 stars; one submission).

Conditions:
Lower motor neuron syndrome with late-adult onset (SMAJ). Also called: Late-Onset Spinal Motor Neuronopathy (SMAJ); Spinal muscular atrophy, Jokela type. Identifiers: Orphanet 276435, MedGen C3554398, MONDO:0014025, OMIM 615048.
Autosomal dominant mitochondrial myopathy with exercise intolerance (IMMD). Also called: Myopathy, isolated mitochondrial, autosomal dominant. Identifiers: Orphanet 457050, MedGen C4015513, MONDO:0014532, OMIM 616209.
Frontotemporal dementia and/or amyotrophic lateral sclerosis 2. Also called: FTDALS2. Identifiers: Orphanet 275872, MedGen C4014648, MONDO:0014395, OMIM 615911.

gnomAD v4.1: 10 of 1,513,378 alleles (0.00066%); highest among the groups gnomAD compares: Non-Finnish European, 0.0008%; no homozygotes.

Submission:

Labcorp Genetics (formerly Invitae), Labcorp
Classification: Uncertain significance for Lower motor neuron syndrome with late-adult onset; Frontotemporal dementia and/or amyotrophic lateral sclerosis 2; Autosomal dominant mitochondrial myopathy with exercise intolerance. Last evaluated: 2025-11-19. Review status: criteria provided, single submitter. Criteria: Invitae Variant Classification Sherloc (09022015). Collection method: clinical testing. Allele origin: germline.
Comment: This sequence change replaces glycine, which is neutral and non-polar, with valine, which is neutral and non-polar, at codon 40 of the CHCHD10 protein (p.Gly40Val). The frequency data for this variant in the population databases is considered unreliable, as metrics indicate poor data quality at this position in the gnomAD database. This variant has not been reported in the literature in individuals affected with CHCHD10-related conditions. ClinVar contains an entry for this variant (Variation ID: 3762255). Experimental studies and prediction algorithms are not available or were not evaluated, and the functional significance of this variant is currently unknown. In summary, the available evidence is currently insufficient to determine the role of this variant in disease. Therefore, it has been classified as a Variant of Uncertain Significance.

NM_213720.3(CHCHD10):c.119G>T (p.Gly40Val)

Gene: CHCHD10 (coiled-coil-helix-coiled-coil-helix domain containing 10; minus strand). Cytogenetic location: 22q11.23.
Variant type: single nucleotide variant.
Coding change: c.119G>T on transcript NM_213720.3 (MANE Select); coding-DNA position 119, G replaced by T.
Protein change: p.Gly40Val; replaces glycine 40 with valine.
Molecular consequence: missense variant. On other transcripts: non-coding transcript variant (1).
Genome position (GRCh38, 1-based): chr22:23,767,516, C>A on the plus strand (G>T on the coding strand, the complement: CHCHD10 is on the minus strand). VCF-style: chr22-23767516-C-A. GRCh37 (hg19) VCF-style: chr22-24109703-C-A.
Other names: c.119G>T, p.Gly40Val (NM_001301339.2); short protein forms G40V.
Identifiers: ClinVar variation 3762255 (VCV003762255.2).